The following is an entry in ClinVar:

NM_181426.2(CCDC39):c.545C>G (p.Thr182Ser)

Gene: CCDC39 (coiled-coil domain 39 molecular ruler complex subunit; minus strand). Cytogenetic location: 3q26.33.
Variant type: single nucleotide variant.
Coding change: c.545C>G on transcript NM_181426.2 (MANE Select); coding-DNA position 545, C replaced by G.
Protein change: p.Thr182Ser; replaces threonine 182 with serine.
Molecular consequence: missense variant.
Genome position (GRCh38, 1-based): chr3:180,659,741, G>C on the plus strand (C>G on the coding strand, the complement: CCDC39 is on the minus strand). VCF-style: chr3-180659741-G-C. GRCh37 (hg19) VCF-style: chr3-180377529-G-C.
Other names: short protein forms T182S.
Identifiers: ClinVar variation 162844 (VCV000162844.26), dbSNP rs112738198, ClinGen allele CA175423.

ClinVar aggregate classification (germline): Benign. Review status: criteria provided, multiple submitters, no conflicts (2 of 4 stars). 8 submissions from 8 submitters: Benign (8). Last evaluated 2026-02-04.

Conditions:
Primary ciliary dyskinesia 14. Also called: CILIARY DYSKINESIA, PRIMARY, 14, WITH OR WITHOUT SITUS INVERSUS. Identifiers: Orphanet 244, MedGen C3151136, MONDO:0013434, OMIM 613807.
Primary ciliary dyskinesia. Also called: Ciliary dyskinesia. Identifiers: Orphanet 244, MedGen C0008780, MONDO:0016575, HP:0012265.

Allele frequency attached by ClinVar (database versions not stated): 1000 Genomes Project 30x 0.00828; 1000 Genomes Project 0.00839; gnomAD exomes 0.02412; ExAC 0.02459; TOPMed 0.02467; ESP Exome Variant Server 0.02520; gnomAD 0.02615.
gnomAD v4.1: 51,214 of 1,610,888 alleles (3.2%); highest among the groups gnomAD compares: Non-Finnish European, 3.8%; 971 homozygotes.

Submissions (8):

Labcorp Genetics (formerly Invitae), Labcorp
Classification: Benign for Primary ciliary dyskinesia. Last evaluated: 2026-02-04. Review status: criteria provided, single submitter. Criteria: Invitae Variant Classification Sherloc (09022015). Collection method: clinical testing. Allele origin: germline.

Blueprint Genetics
Classification: Benign. Last evaluated: 2024-11-26. Review status: criteria provided, single submitter. Criteria: ACMG Guidelines, 2015. Collection method: clinical testing. Allele origin: germline.

Mayo Clinic Laboratories, Mayo Clinic
Classification: Benign. Last evaluated: 2024-03-13. Review status: criteria provided, single submitter. Criteria: ACMG Guidelines, 2015. Collection method: clinical testing. Allele origin: germline. Observed: 14 variant alleles.
Comment: BA1, BS1, BP4

Illumina Laboratory Services, Illumina
Classification: Benign for Primary ciliary dyskinesia 14. Last evaluated: 2018-01-13. Review status: criteria provided, single submitter. Criteria: ICSL Variant Classification Criteria 13 December 2019. Collection method: clinical testing. Allele origin: germline.
Comment: This variant was observed in the ICSL laboratory as part of a predisposition screen in an ostensibly healthy population. It had not been previously curated by ICSL or reported in the Human Gene Mutation Database (HGMD: prior to June 1st, 2018), and was therefore a candidate for classification through an automated scoring system. Utilizing variant allele frequency, disease prevalence and penetrance estimates, and inheritance mode, an automated score was calculated to assess if this variant is too frequent to cause the disease. Based on the score and internal cut-off values, a variant classified as benign is not then subjected to further curation. The score for this variant resulted in a classification of benign for this disease.

Ambry Genetics
Classification: Benign for Primary ciliary dyskinesia. Last evaluated: 2016-09-30. Review status: criteria provided, single submitter. Criteria: Ambry Variant Classification Scheme 2023. Collection method: clinical testing. Allele origin: germline.

Laboratory for Molecular Medicine, Mass General Brigham Personalized Medicine
Classification: Benign. Last evaluated: 2013-02-21. Review status: criteria provided, single submitter. Criteria: LMM Criteria. Collection method: clinical testing. Allele origin: germline. Observed: 7 variant alleles.
Comment: Thr182Ser in exon 5 of CCDC39: This variant is not expected to have clinical sig nificance because it has been identified in 3.2% (263/8154) of European American chromosomes from a broad population by the NHLBI Exome Sequencing Project (dbSNP rs112738198).

Breakthrough Genomics
Classification: Benign. Review status: criteria provided, single submitter. Criteria: ACMG Guidelines, 2015. Collection method: not provided. Allele origin: germline. Inheritance: Autosomal recessive inheritance. Affected: yes.

PreventionGenetics, part of Exact Sciences
Classification: Benign. Review status: criteria provided, single submitter. Criteria: ACMG Guidelines, 2015. Collection method: clinical testing. Allele origin: germline.